The following is an entry in ClinVar:

NM_001005242.3(PKP2):c.1930T>C (p.Ser644Pro)

Gene: PKP2 (plakophilin 2; minus strand). Cytogenetic location: 12p11.21.
Variant type: single nucleotide variant.
Coding change: c.1930T>C on transcript NM_001005242.3 (MANE Select); coding-DNA position 1930, T replaced by C.
Protein change: p.Ser644Pro; replaces serine 644 with proline.
Molecular consequence: missense variant.
Genome position (GRCh38, 1-based): chr12:32,821,439, A>G on the plus strand (T>C on the coding strand, the complement: PKP2 is on the minus strand). VCF-style: chr12-32821439-A-G. GRCh37 (hg19) VCF-style: chr12-32974373-A-G.
Other names: c.2062T>C, p.Ser688Pro (NM_004572.4); short protein forms S688P, S644P.
Identifiers: ClinVar variation 45055 (VCV000045055.47), dbSNP rs144601090, ClinGen allele CA010659.

ClinVar aggregate classification (germline): Conflicting classifications of pathogenicity. Review status: criteria provided, conflicting classifications (1 of 4 stars). 16 submissions from 16 submitters: Likely pathogenic (2); Uncertain significance (12). 2 of the submissions do not count toward it. Last evaluated 2026-07-16.

Conditions:
PKP2-related disorder. Also called: PKP2-related condition.
Cardiovascular phenotype. Identifiers: MedGen CN230736.
Cardiomyopathy (CMYO). Also called: Cardiomyopathies. Identifiers: Orphanet 167848, MedGen C0878544, MONDO:0004994, HP:0001638. Inheritance: Various modes of inheritance.
Arrhythmogenic right ventricular cardiomyopathy (ARVD). Also called: Arrhythmogenic right ventricular dysplasia; Cardiomyopathy, ARVC; Arrhythmogenic Right Ventricular Cardiomyopathy (ARVC); Arrhythmogenic cardiomyopathy. Identifiers: Orphanet 247, MedGen C0349788, MeSH D019571, MONDO:0016587. Disease mechanism: loss of function. Inheritance: Various modes of inheritance.
Arrhythmogenic right ventricular dysplasia 9 (ARVD9). Also called: Arrhythmogenic Right Ventricular Dysplasia/Cardiomyopathy 9; ARRHYTHMOGENIC RIGHT VENTRICULAR DYSPLASIA, FAMILIAL, 9. Identifiers: MedGen C1836906, MONDO:0012180, OMIM 609040.

Allele frequency attached by ClinVar (database versions not stated): gnomAD exomes 0.00002; ExAC 0.00003; gnomAD 0.00011; TOPMed 0.00012; ESP Exome Variant Server 0.00015; 1000 Genomes Project 30x 0.00016; 1000 Genomes Project 0.00020.
gnomAD v4.1: 50 of 1,614,110 alleles (0.0031%); highest among the groups gnomAD compares: African/African-American, 0.036%; no homozygotes.

Submissions 1 to 6 of 16:

PreventionGenetics, part of Exact Sciences
Classification: Uncertain significance for PKP2-related condition. Last evaluated: 2026-07-16. Review status: criteria provided, single submitter. Criteria: ACMG Guidelines, 2015. Collection method: clinical testing. Allele origin: germline.
Comment: The PKP2 c.2062T>C variant is predicted to result in the amino acid substitution p.Ser688Pro. This variant has been reported in individuals with arrhythmogenic right ventricular cardiomyopathy (ARVC), most of whom were diagnosed using the International Task Force criteria (see, for example, van Tintelen et al. 2006. PubMed ID: 16567567; Table S1A, Walsh et al. 2016. PubMed ID: 27532257; DeWitt et al. 2019. PubMed ID: 31319917; Olivetti et al. 2023. PubMed ID: 36720007). In addition, this variant has been reported in an individual with acute myocarditis (Belkaya et al. 2017. PubMed ID: 28359509) and in individuals experiencing sudden death, some of whom were diagnosed postmortem with ARVC or right ventricular dominant arrhythmogenic cardiomyopathy (ACM) (Zhang et al. 2011. PubMed ID: 22019812; Shanks et al. 2018. PubMed ID: 29915097; Bueno-Beti et al. 2023. PubMed ID: 37936669). One study reclassified the variant as likely benign following modified 2015 ACMG criteria and found no association with ARVC phenotypes upon readjudication (Table S1, Costa et al. 2020. PubMed ID: 33232181). This variant is reported in 0.044% of alleles in individuals of African descent in gnomAD and has conflicting classifications in ClinVar ranging from uncertain to likely pathogenic (Variation ID: 45055). Although we suspect that this variant may be pathogenic, at this time, the clinical significance of this variant is uncertain due to the absence of conclusive functional and genetic evidence.

Ambry Genetics
Classification: Likely pathogenic for Cardiovascular phenotype. Last evaluated: 2026-04-20. Review status: criteria provided, single submitter. Criteria: Ambry Variant Classification Scheme 2023. Collection method: clinical testing. Allele origin: germline.
Comment: The c.2062T>C (p.S688P) alteration is located in exon 10 (coding exon 10) of the PKP2 gene. This alteration results from a T to C substitution at nucleotide position 2062, causing the serine (S) at amino acid position 688 to be replaced by a proline (P). Based on data from gnomAD, the C allele has an overall frequency of 0.004% (11/282770) total alleles studied. The highest observed frequency was 0.044% (11/24964) of African alleles. This variant has been reported in patients with arrhythmogenic right ventricular cardiomyopathy (ARVC) (van Tintelen, 2006; Quarta, 2011; Zhang, 2012; DeWitt, 2019; Goudal, 2022; Olivetti, 2023). This variant has also been seen in sudden death and exome cohorts, but cardiovascular details were limited or not provided (Andreasen, 2013; Amendola, 2015; Shanks, 2018). This amino acid position is highly conserved in available vertebrate species. Based on internal structural analysis, this variant is highly destabilizing to the local structure (Ambry internal data). This alteration is predicted to be deleterious by in silico analysis. Based on the available evidence, this alteration is classified as likely pathogenic.

Labcorp Genetics (formerly Invitae), Labcorp
Classification: Likely pathogenic for Arrhythmogenic right ventricular dysplasia 9. Last evaluated: 2026-01-26. Review status: criteria provided, single submitter. Criteria: Invitae Variant Classification Sherloc (09022015). Collection method: clinical testing. Allele origin: germline.
Comment: This sequence change replaces serine, which is neutral and polar, with proline, which is neutral and non-polar, at codon 688 of the PKP2 protein (p.Ser688Pro). This variant is present in population databases (rs144601090, gnomAD 0.05%). This missense change has been observed in individuals with arrhythmogenic right ventricular cardiomyopathy (PMID: 16567567, 21606390, 22019812, 27532257, 31319917, 32522011, 36720007; internal data). ClinVar contains an entry for this variant (Variation ID: 45055). An algorithm developed to predict the effect of missense changes on protein structure and function (PolyPhen-2) suggests that this variant is likely to be disruptive. In summary, the currently available evidence indicates that the variant is pathogenic, but additional data are needed to prove that conclusively. Therefore, this variant has been classified as Likely Pathogenic.

GeneDx
Classification: Uncertain significance. Last evaluated: 2025-01-28. Review status: criteria provided, single submitter. Criteria: GeneDx Variant Classification Process June 2021. Collection method: clinical testing. Allele origin: germline. Affected: yes.
Comment: Reported in a child with acute myocarditis who was compound heterozygous for a paternally inherited S688P variant and a maternally inherited D829N variant; all family members were reported as unaffected (PMID: 28359509); In silico analysis supports that this missense variant has a deleterious effect on protein structure/function; This variant is associated with the following publications: (PMID: 21606396, 31386562, 24033266, 22019812, 21606390, 16567567, 27532257, 20031616, 25637381, 23299917, 29915097, 23871674, 31402444, 36175056, 32522011, 33232181, 35819174, 28359509, 21636032)

All of Us Research Program, National Institutes of Health
Classification: Uncertain significance for Arrhythmogenic right ventricular cardiomyopathy. Last evaluated: 2024-08-06. Review status: criteria provided, single submitter. Criteria: ACMG Guidelines, 2015. Collection method: clinical testing. Allele origin: germline. Inheritance: Autosomal dominant inheritance. Observed: 15 variant alleles, 15 heterozygotes.
Comment: This missense variant replaces serine with proline at codon 688 of the PKP2 protein. Computational prediction suggests that this variant may have deleterious impact on protein structure and function (internally defined REVEL score threshold >= 0.7, PMID: 27666373). To our knowledge, functional studies have not been reported for this variant. This variant has been reported in individuals affected with or suspected of arrhythmogenic right ventricular cardiomyopathy (PMID: 16567567, 20031616, 21606390, 21606396, 22019812, 25820315, 27532257, 31319917, 32522011, 36720007, 37418234). This variant has also been reported in an individual affected with acute myocarditis (PMID: 28359509) and in a young individual with sudden unexplained death (PMID: 29915097). This variant has also been identified in 11/282770 chromosomes (11/24964 African chromosomes) in the general population by the Genome Aggregation Database (gnomAD). The available evidence is insufficient to determine the role of this variant in disease conclusively. Therefore, this variant is classified as a Variant of Uncertain Significance.

This study involves interpretation of variants in research participants for the purpose of population health screening. Participant phenotype was not available at the time of variant classification. Additional details can be found in publication PMID: 35346344, PMCID: PMC8962531

Color Diagnostics, LLC DBA Color Health
Classification: Uncertain significance for Cardiomyopathy. Last evaluated: 2024-05-29. Review status: criteria provided, single submitter. Criteria: ACMG Guidelines, 2015. Collection method: clinical testing. Allele origin: germline.
Comment: This missense variant replaces serine with proline at codon 688 of the PKP2 protein. Computational prediction suggests that this variant may have deleterious impact on protein structure and function (internally defined REVEL score threshold >= 0.7, PMID: 27666373). To our knowledge, functional studies have not been reported for this variant. This variant has been reported in individuals affected with or suspected of arrhythmogenic right ventricular cardiomyopathy (PMID: 16567567, 20031616, 21606390, 21606396, 22019812, 25820315, 27532257, 31319917, 32522011, 36720007, 37418234). This variant has also been reported in an individual affected with acute myocarditis (PMID: 28359509) and in a young individual with sudden unexplained death (PMID: 29915097). This variant has also been identified in 11/282770 chromosomes (11/24964 African chromosomes) in the general population by the Genome Aggregation Database (gnomAD). The available evidence is insufficient to determine the role of this variant in disease conclusively. Therefore, this variant is classified as a Variant of Uncertain Significance.